The following is an entry in ClinVar:

NM_032444.4(SLX4):c.4859T>C (p.Leu1620Pro)

Gene: SLX4 (SLX4 structure-specific endonuclease subunit; minus strand). Cytogenetic location: 16p13.3.
Variant type: single nucleotide variant.
Coding change: c.4859T>C on transcript NM_032444.4 (MANE Select); coding-DNA position 4859, T replaced by C.
Protein change: p.Leu1620Pro; replaces leucine 1620 with proline.
Molecular consequence: missense variant.
Genome position (GRCh38, 1-based): chr16:3,583,391, A>G on the plus strand (T>C on the coding strand, the complement: SLX4 is on the minus strand). VCF-style: chr16-3583391-A-G. GRCh37 (hg19) VCF-style: chr16-3633392-A-G.
Other names: short protein forms L1620P.
Identifiers: ClinVar variation 4738428 (VCV004738428.1).
Genomic context (GRCh38, chr16:3,583,391, plus strand): 5'-CCTGCCCTTGAAGGCTTGTAGGTCTGGGAGGCGAGGGTCTGGCAGTGAGGCGCCTGCAAC[A>G]GCGGCTGTGAGGACTGGCTCTCGTCCTCGGAGTCTGAGTCCAGGGTCTGGTGAGTGTACT-3'
Protein context (NP_115820.2, residues 1610-1630): SEDESQSSQP[Leu1620Pro]LQAPHCQTLA

ClinVar aggregate classification (germline): Uncertain significance (1 of 4 stars; one submission).

Conditions:
Fanconi anemia (FA). Also called: Fanconi's anemia. Identifiers: Orphanet 84, MedGen C0015625, MeSH D005199, MONDO:0019391.

gnomAD v4.1: 2 of 1,613,212 alleles (0.00012%); highest among the groups gnomAD compares: Non-Finnish European, 0.00017%; no homozygotes.

Submission:

Labcorp Genetics (formerly Invitae), Labcorp
Classification: Uncertain significance for Fanconi anemia. Last evaluated: 2025-06-08. Review status: criteria provided, single submitter. Criteria: Invitae Variant Classification Sherloc (09022015). Collection method: clinical testing. Allele origin: germline.
Comment: This sequence change replaces leucine, which is neutral and non-polar, with proline, which is neutral and non-polar, at codon 1620 of the SLX4 protein (p.Leu1620Pro). This variant is not present in population databases (gnomAD no frequency). This variant has not been reported in the literature in individuals affected with SLX4-related conditions. An algorithm developed to predict the effect of missense changes on protein structure and function outputs the following: PolyPhen-2: "Benign". The proline amino acid residue is found in multiple mammalian species, which suggests that this missense change does not adversely affect protein function. In summary, the available evidence is currently insufficient to determine the role of this variant in disease. Therefore, it has been classified as a Variant of Uncertain Significance.